The following is an entry in ClinVar:

NM_000126.4(ETFA):c.39+4128A>T

Gene: ETFA (electron transfer flavoprotein subunit alpha; minus strand). Cytogenetic location: 15q24.3.
Variant type: single nucleotide variant.
Coding change: c.39+4128A>T on transcript NM_000126.4 (MANE Select); 4128 bases into the intron after coding-DNA position 39, A replaced by T.
Molecular consequence: intron variant.
Genome position (GRCh38, 1-based): chr15:76,307,222, T>A on the plus strand (A>T on the coding strand, the complement: ETFA is on the minus strand). VCF-style: chr15-76307222-T-A. GRCh37 (hg19) VCF-style: chr15-76599563-T-A.
Other names: c.39+4128A>T (NM_001127716.2).
Identifiers: ClinVar variation 4891213 (VCV004891213.1).

ClinVar aggregate classification (germline): Uncertain significance (1 of 4 stars; one submission).

gnomAD v4.1: 103 of 152,376 alleles (0.068%); highest among the groups gnomAD compares: African/African-American, 0.24%; no homozygotes.

Submission:

Greenwood Genetic Center Diagnostic Laboratories, Greenwood Genetic Center
Classification: Uncertain significance. Last evaluated: 2026-04-13. Review status: criteria provided, single submitter. Criteria: ACMG Guidelines, 2015. Collection method: clinical testing. Allele origin: germline.
Comment: PM2, BP4